The following is an entry in ClinVar:

NM_022124.6(CDH23):c.7482+2T>C

Gene: CDH23 (cadherin related 23; plus strand). Cytogenetic location: 10q22.1.
Variant type: single nucleotide variant.
Coding change: c.7482+2T>C on transcript NM_022124.6 (MANE Select); the canonical splice donor site of the intron after coding-DNA position 7482, T replaced by C.
Molecular consequence: splice donor variant.
Genome position (GRCh38, 1-based): chr10:71,800,757, T>C. VCF-style: chr10-71800757-T-C. GRCh37 (hg19) VCF-style: chr10-73560514-T-C.
Other names: c.762+2T>C (NM_001171933.1, NM_001171934.1).
Identifiers: ClinVar variation 1067982 (VCV001067982.7), dbSNP rs2132971828, ClinGen allele CA377160054.
Genomic context (GRCh38, chr10:71,800,757, plus strand): 5'-CCTTGGCCAAAGACAACCCTGGGGATGTAGCCAGCAACCGTCGCGAAAATTCAGTGCAGG[T>C]GAGGGGTGCCAACCTGGGCCAGGGATGACAGGGACTGGGGTTGTGGAGGCAACAAGCAAA-3'

ClinVar aggregate classification (germline): Likely pathogenic (1 of 4 stars; one submission).

Allele frequency attached by ClinVar (database versions not stated): gnomAD exomes below 0.00001.
gnomAD v4.1: 4 of 1,613,386 alleles (0.00025%); highest among the groups gnomAD compares: Non-Finnish European, 0.00034%; no homozygotes.

Submission:

Labcorp Genetics (formerly Invitae), Labcorp
Classification: Likely pathogenic. Last evaluated: 2021-06-24. Review status: criteria provided, single submitter. Criteria: Invitae Variant Classification Sherloc (09022015). Collection method: clinical testing. Allele origin: germline.
Comment: In summary, the currently available evidence indicates that the variant is pathogenic, but additional data are needed to prove that conclusively. Therefore, this variant has been classified as Likely Pathogenic. Donor and acceptor splice site variants typically lead to a loss of protein function (PMID: 16199547), and loss-of-function variants in CDH23 are known to be pathogenic (PMID: 11138009, 21940737). Algorithms developed to predict the effect of sequence changes on RNA splicing suggest that this variant may disrupt the consensus splice site, but this prediction has not been confirmed by published transcriptional studies. This variant has not been reported in the literature in individuals with CDH23-related conditions. This variant is not present in population databases (ExAC no frequency). This sequence change affects a donor splice site in intron 53 of the CDH23 gene. It is expected to disrupt RNA splicing and likely results in an absent or disrupted protein product.

Literature cited by the submitters: PubMed 16199547; PubMed 11138009; PubMed 21940737.